The following is an entry in ClinVar:

ClinVar aggregate classification (germline): Uncertain significance. Review status: criteria provided, multiple submitters, no conflicts (2 of 4 stars). 2 submissions from 2 submitters: Uncertain significance (2). Last evaluated 2024-02-08.

Conditions:
Hereditary cancer-predisposing syndrome. Also called: Hereditary neoplastic syndrome; Neoplastic Syndromes, Hereditary; Tumor predisposition; Hereditary Cancer Syndrome. Identifiers: Orphanet 140162, MedGen C0027672, MeSH D009386, MONDO:0015356.
Familial adenomatous polyposis 1 (FAP1). Also called: FAMILIAL ADENOMATOUS POLYPOSIS 1, ATTENUATED; POLYPOSIS, ADENOMATOUS INTESTINAL. Identifiers: MedGen C2713442, MONDO:0021056, OMIM 175100. Disease mechanism: loss of function.

Allele frequency attached by ClinVar (database versions not stated): gnomAD exomes below 0.00001.
gnomAD v4.1: 1 of 1,613,200 alleles (0.000062%); highest among the groups gnomAD compares: Non-Finnish European, 0.000085%; no homozygotes.

Submissions (2):

Ambry Genetics
Classification: Uncertain significance for Hereditary cancer-predisposing syndrome. Last evaluated: 2024-02-08. Review status: criteria provided, single submitter. Criteria: Ambry Variant Classification Scheme 2023. Collection method: clinical testing. Allele origin: germline.
Comment: The p.M522T variant (also known as c.1565T>C), located in coding exon 12 of the APC gene, results from a T to C substitution at nucleotide position 1565. The methionine at codon 522 is replaced by threonine, an amino acid with similar properties. This amino acid position is highly conserved in available vertebrate species. In addition, in silico predictors for this gene do not accurately predict pathogenicity. Based on the available evidence, the clinical significance of this alteration remains unclear.

Labcorp Genetics (formerly Invitae), Labcorp
Classification: Uncertain significance for Familial adenomatous polyposis 1. Last evaluated: 2022-03-05. Review status: criteria provided, single submitter. Criteria: Invitae Variant Classification Sherloc (09022015). Collection method: clinical testing. Allele origin: germline.
Comment: ClinVar contains an entry for this variant (Variation ID: 942061). In summary, the available evidence is currently insufficient to determine the role of this variant in disease. Therefore, it has been classified as a Variant of Uncertain Significance. Algorithms developed to predict the effect of missense changes on protein structure and function are either unavailable or do not agree on the potential impact of this missense change (SIFT: "Tolerated"; PolyPhen-2: "Possibly Damaging"; Align-GVGD: "Class C0"). This variant has not been reported in the literature in individuals affected with APC-related conditions. This variant is not present in population databases (gnomAD no frequency). This sequence change replaces methionine, which is neutral and non-polar, with threonine, which is neutral and polar, at codon 522 of the APC protein (p.Met522Thr).

NM_000038.6(APC):c.1565T>C (p.Met522Thr)

Gene: APC (APC regulator of Wnt signaling pathway; plus strand). Cytogenetic location: 5q22.2.
Variant type: single nucleotide variant.
Coding change: c.1565T>C on transcript NM_000038.6 (MANE Select); coding-DNA position 1565, T replaced by C.
Protein change: p.Met522Thr; replaces methionine 522 with threonine.
Molecular consequence: missense variant.
Genome position (GRCh38, 1-based): chr5:112,827,945, T>C. VCF-style: chr5-112827945-T-C. GRCh37 (hg19) VCF-style: chr5-112163642-T-C.
Other names: c.1565T>C, p.Met522Thr (NM_001127510.3, NM_001354895.2); c.1511T>C, p.Met504Thr (NM_001127511.3); c.1619T>C, p.Met540Thr (NM_001354896.2); c.1595T>C, p.Met532Thr (NM_001354897.2); c.1490T>C, p.Met497Thr (NM_001354898.2); c.1481T>C, p.Met494Thr (NM_001354899.2); c.1442T>C, p.Met481Thr (NM_001354900.2); c.1388T>C, p.Met463Thr (NM_001354901.2); and 5 more; short protein forms M481T, M494T, M522T, M532T, M540T, M421T, M504T, M239T.
Identifiers: ClinVar variation 942061 (VCV000942061.12), dbSNP rs1763872162, ClinGen allele CA16024724.
Genomic context (GRCh38, chr5:112,827,945, plus strand): 5'-AAGTTGTCTTTTTAATGATCCTCTATTCTGTATTTAATTTACAGGCTACGCTATGCTCTA[T>C]GAAAGGCTGCATGAGAGCACTTGTGGCCCAACTAAAATCTGAAAGTGAAGACTTACAGCA-3'
Protein context (NP_000029.2, residues 512-532): DVANKATLCS[Met522Thr]KGCMRALVAQ